The following is an entry in ClinVar:

ClinVar aggregate classification (germline): Uncertain significance (1 of 4 stars; one submission).

Submission:

Labcorp Genetics (formerly Invitae), Labcorp
Classification: Uncertain significance. Last evaluated: 2024-07-23. Review status: criteria provided, single submitter. Criteria: Invitae Variant Classification Sherloc (09022015). Collection method: clinical testing. Allele origin: germline.
Comment: This sequence change replaces asparagine, which is neutral and polar, with threonine, which is neutral and polar, at codon 488 of the ERBB2 protein (p.Asn488Thr). This variant is not present in population databases (gnomAD no frequency). This variant has not been reported in the literature in individuals affected with ERBB2-related conditions. Advanced modeling of protein sequence and biophysical properties (such as structural, functional, and spatial information, amino acid conservation, physicochemical variation, residue mobility, and thermodynamic stability) performed at Invitae indicates that this missense variant is not expected to disrupt ERBB2 protein function with a negative predictive value of 80%. In summary, the available evidence is currently insufficient to determine the role of this variant in disease. Therefore, it has been classified as a Variant of Uncertain Significance.

NM_004448.4(ERBB2):c.1463A>C (p.Asn488Thr)

Gene: ERBB2 (erb-b2 receptor tyrosine kinase 2; plus strand). Cytogenetic location: 17q12.
Variant type: single nucleotide variant.
Coding change: c.1463A>C on transcript NM_004448.4 (MANE Select); coding-DNA position 1463, A replaced by C.
Protein change: p.Asn488Thr; replaces asparagine 488 with threonine.
Molecular consequence: missense variant. On other transcripts: non-coding transcript variant (1), intron variant (1).
Genome position (GRCh38, 1-based): chr17:39,715,889, A>C. VCF-style: chr17-39715889-A-C. GRCh37 (hg19) VCF-style: chr17-37872142-A-C.
Other names: c.635A>C, p.Asn212Thr (NM_001382804.1); c.1463A>C, p.Asn488Thr (NM_001382805.1, NM_001382797.1, NM_001382798.1 and 12 more transcripts); c.1222+530A>C (NM_001382806.1); c.1283A>C, p.Asn428Thr (NM_001382799.1); c.1205A>C, p.Asn402Thr (NM_001382802.1); c.1373A>C, p.Asn458Thr (NM_001005862.3, NM_001289938.2, NM_001382782.1 and 1 more transcripts); c.1418A>C, p.Asn473Thr (NM_001289936.2); c.1580A>C, p.Asn527Thr (NM_001382784.1, NM_001382786.1); and 3 more; short protein forms N212T, N473T, N402T, N458T, N485T, N495T, N527T, N428T.
Identifiers: ClinVar variation 3660393 (VCV003660393.2).